The following is an entry in ClinVar:

NM_015433.3(EEF1AKMT3):c.527T>C (p.Ile176Thr)

Gene: EEF1AKMT3 (EEF1A lysine methyltransferase 3; plus strand). Cytogenetic location: 12q14.1.
Variant type: single nucleotide variant.
Coding change: c.527T>C on transcript NM_015433.3 (MANE Select); coding-DNA position 527, T replaced by C.
Protein change: p.Ile176Thr; replaces isoleucine 176 with threonine.
Molecular consequence: missense variant. On other transcripts: 3 prime UTR variant (1).
Genome position (GRCh38, 1-based): chr12:57,780,492, T>C. VCF-style: chr12-57780492-T-C. GRCh37 (hg19) VCF-style: chr12-58174275-T-C.
Other names: c.*216T>C (NM_206914.2); short protein forms I176T.
Identifiers: ClinVar variation 2643151 (VCV002643151.24), dbSNP rs111299874, ClinGen allele CA6659123.

ClinVar aggregate classification (germline): Likely benign (1 of 4 stars; one submission).

Allele frequency attached by ClinVar (database versions not stated): gnomAD exomes 0.00665; ExAC 0.00575; ESP Exome Variant Server 0.00577; gnomAD 0.00609; 1000 Genomes Project 30x 0.00172; 1000 Genomes Project 0.00180; TOPMed 0.00443.
gnomAD v4.1: 10,604 of 1,614,154 alleles (0.66%); highest among the groups gnomAD compares: Non-Finnish European, 0.78%; 79 homozygotes.

Submission:

CeGaT Center for Human Genetics Tuebingen
Classification: Likely benign. Last evaluated: 2022-12-01. Review status: criteria provided, single submitter. Criteria: CeGaT Center For Human Genetics Tuebingen Variant Classification Criteria Version 2. Collection method: clinical testing. Allele origin: germline. Affected: yes. Observed: 1 variant allele.
Comment: EEF1AKMT3: BS2